The following is an entry in ClinVar:

NM_005708.5(GPC6):c.578A>T (p.Tyr193Phe)

Genes: GPC6 (glypican 6; plus strand), GPC6-AS2 (GPC6 antisense RNA 2; minus strand). Cytogenetic location: 13q31.3.
Variant type: single nucleotide variant.
Coding change: c.578A>T on transcript NM_005708.5 (MANE Select); coding-DNA position 578, A replaced by T.
Protein change: p.Tyr193Phe; replaces tyrosine 193 with phenylalanine.
Molecular consequence: missense variant.
Genome position (GRCh38, 1-based): chr13:93,830,412, A>T. VCF-style: chr13-93830412-A-T. GRCh37 (hg19) VCF-style: chr13-94482665-A-T.
Other names: c.578A>T (NM_005708.3); short protein forms Y193F.
Identifiers: ClinVar variation 1470983 (VCV001470983.9), dbSNP rs746189445, ClinGen allele CA7016883.

ClinVar aggregate classification (germline): Uncertain significance. Review status: criteria provided, multiple submitters, no conflicts (2 of 4 stars). 2 submissions from 2 submitters: Uncertain significance (2). Last evaluated 2023-12-28.

Conditions:
Inborn genetic diseases. Identifiers: MedGen C0950123, MeSH D030342.

Allele frequency attached by ClinVar (database versions not stated): TOPMed below 0.00001; gnomAD exomes 0.00002 and 0.00004; gnomAD 0.00003; ExAC 0.00004; 1000 Genomes Project 30x 0.00031.
gnomAD v4.1: 40 of 1,613,958 alleles (0.0025%); highest among the groups gnomAD compares: South Asian, 0.043%; no homozygotes.

Submissions (2):

Ambry Genetics
Classification: Uncertain significance for Inborn genetic diseases. Last evaluated: 2023-12-28. Review status: criteria provided, single submitter. Criteria: Ambry Variant Classification Scheme 2023. Collection method: clinical testing. Allele origin: germline.

Labcorp Genetics (formerly Invitae), Labcorp
Classification: Uncertain significance. Last evaluated: 2021-01-08. Review status: criteria provided, single submitter. Criteria: Invitae Variant Classification Sherloc (09022015). Collection method: clinical testing. Allele origin: germline.
Comment: This sequence change replaces tyrosine with phenylalanine at codon 193 of the GPC6 protein (p.Tyr193Phe). The tyrosine residue is weakly conserved and there is a small physicochemical difference between tyrosine and phenylalanine. In summary, the available evidence is currently insufficient to determine the role of this variant in disease. Therefore, it has been classified as a Variant of Uncertain Significance. Algorithms developed to predict the effect of missense changes on protein structure and function (SIFT, PolyPhen-2, Align-GVGD) all suggest that this variant is likely to be tolerated, but these predictions have not been confirmed by published functional studies and their clinical significance is uncertain. This variant has not been reported in the literature in individuals with GPC6-related conditions. This variant is present in population databases (rs746189445, ExAC 0.03%).